The following is an entry in ClinVar:

NM_017534.6(MYH2):c.5513G>A (p.Arg1838His)

Genes: MYHAS (myosin heavy chain gene cluster antisense RNA; plus strand), MYH2 (myosin heavy chain 2; minus strand). Cytogenetic location: 17p13.1.
Variant type: single nucleotide variant.
Coding change: c.5513G>A on transcript NM_017534.6 (MANE Select); coding-DNA position 5513, G replaced by A.
Protein change: p.Arg1838His; replaces arginine 1838 with histidine.
Molecular consequence: missense variant.
Genome position (GRCh38, 1-based): chr17:10,523,372, C>T on the plus strand (G>A on the coding strand, the complement: MYH2 is on the minus strand). VCF-style: chr17-10523372-C-T. GRCh37 (hg19) VCF-style: chr17-10426689-C-T.
Other names: c.5513G>A, p.Arg1838His (NM_001100112.2); short protein forms R1838H.
Identifiers: ClinVar variation 2433904 (VCV002433904.5), dbSNP rs117081954, ClinGen allele CA8390374.

ClinVar aggregate classification (germline): Uncertain significance. Review status: criteria provided, multiple submitters, no conflicts (2 of 4 stars). 2 submissions from 2 submitters: Uncertain significance (2). Last evaluated 2025-06-26.

Conditions:
Myopathy, proximal, and ophthalmoplegia (CMYO6). Also called: CONGENITAL MYOPATHY 6 WITH OPHTHALMOPLEGIA; INCLUSION BODY MYOPATHY 3, AUTOSOMAL DOMINANT; MYOPATHY WITH CONGENITAL JOINT CONTRACTURES, OPHTHALMOPLEGIA, AND RIMMED VACUOLES. Identifiers: Orphanet 363677, Orphanet 79091, MedGen C1854106, MONDO:0011577, OMIM 605637.

Allele frequency attached by ClinVar (database versions not stated): gnomAD 0.00001; ExAC 0.00002; TOPMed 0.00002.
gnomAD v4.1: 43 of 1,614,078 alleles (0.0027%); highest among the groups gnomAD compares: Admixed American, 0.0067%; no homozygotes.

Submissions (2):

Revvity Omics, Revvity
Classification: Uncertain significance for Myopathy, proximal, and ophthalmoplegia. Last evaluated: 2025-06-26. Review status: criteria provided, single submitter. Criteria: ACMG Guidelines, 2015. Collection method: clinical testing. Allele origin: germline.

Labcorp Genetics (formerly Invitae), Labcorp
Classification: Uncertain significance for Myopathy, proximal, and ophthalmoplegia. Last evaluated: 2025-01-21. Review status: criteria provided, single submitter. Criteria: Invitae Variant Classification Sherloc (09022015). Collection method: clinical testing. Allele origin: germline.
Comment: This sequence change replaces arginine, which is basic and polar, with histidine, which is basic and polar, at codon 1838 of the MYH2 protein (p.Arg1838His). This variant is present in population databases (rs117081954, gnomAD 0.006%). This variant has not been reported in the literature in individuals affected with MYH2-related conditions. ClinVar contains an entry for this variant (Variation ID: 2433904). Invitae Evidence Modeling of protein sequence and biophysical properties (such as structural, functional, and spatial information, amino acid conservation, physicochemical variation, residue mobility, and thermodynamic stability) indicates that this missense variant is expected to disrupt MYH2 protein function with a positive predictive value of 80%. In summary, the available evidence is currently insufficient to determine the role of this variant in disease. Therefore, it has been classified as a Variant of Uncertain Significance.